The following is an entry in ClinVar:

NM_000088.4(COL1A1):c.1450C>T (p.Pro484Ser)

Gene: COL1A1 (collagen type I alpha 1 chain; minus strand). Cytogenetic location: 17q21.33.
Variant type: single nucleotide variant.
Coding change: c.1450C>T on transcript NM_000088.4 (MANE Select); coding-DNA position 1450, C replaced by T.
Protein change: p.Pro484Ser; replaces proline 484 with serine.
Molecular consequence: missense variant.
Genome position (GRCh38, 1-based): chr17:50,194,732, G>A on the plus strand (C>T on the coding strand, the complement: COL1A1 is on the minus strand). VCF-style: chr17-50194732-G-A. GRCh37 (hg19) VCF-style: chr17-48272093-G-A.
Other names: short protein forms P484S.
Identifiers: ClinVar variation 2056434 (VCV002056434.5), dbSNP rs879355791, ClinGen allele CA291545438.

ClinVar aggregate classification (germline): Conflicting classifications of pathogenicity. Review status: criteria provided, conflicting classifications (1 of 4 stars). 2 submissions from 2 submitters: Uncertain significance (1); Likely benign (1). Last evaluated 2023-08-27.

Conditions:
Osteogenesis imperfecta type I (OI1). Also called: Lobstein disease; Osteogenesis imperfecta type 1; Lobstein's Disease; OI, TYPE I; OSTEOGENESIS IMPERFECTA TARDA; OSTEOGENESIS IMPERFECTA WITH BLUE SCLERAE. Identifiers: Orphanet 216796, Orphanet 666, MedGen C0023931, MONDO:0008146, OMIM 166200. Disease mechanism: loss of function.

Allele frequency attached by ClinVar (database versions not stated): gnomAD exomes below 0.00001; gnomAD 0.00001; TOPMed 0.00001.
gnomAD v4.1: 4 of 1,569,432 alleles (0.00025%); highest among the groups gnomAD compares: Non-Finnish European, 0.00026%; no homozygotes.

Submissions (2):

Labcorp Genetics (formerly Invitae), Labcorp
Classification: Likely benign for Osteogenesis imperfecta type I. Last evaluated: 2023-08-27. Review status: criteria provided, single submitter. Criteria: Invitae Variant Classification Sherloc (09022015). Collection method: clinical testing. Allele origin: germline.

GeneDx
Classification: Uncertain significance. Last evaluated: 2023-04-10. Review status: criteria provided, single submitter. Criteria: GeneDx Variant Classification Process June 2021. Collection method: clinical testing. Allele origin: germline. Affected: yes.
Comment: Has not been previously published as pathogenic or benign to our knowledge; Not observed at significant frequency in large population cohorts (gnomAD); In silico analysis supports that this missense variant has a deleterious effect on protein structure/function; Occurs in the triple helical domain at the Y position in the canonical Gly-X-Y repeat; although this variant may have an effect on normal protein folding and function, missense substitution at the Y position is not a common mechanism of disease (HGMD)